The following is an entry in ClinVar:

NM_001165963.4(SCN1A):c.4362A>T (p.Glu1454Asp)

Genes: SCN1A (sodium voltage-gated channel alpha subunit 1; minus strand), LOC102724058 (uncharacterized LOC102724058; plus strand). Cytogenetic location: 2q24.3.
Variant type: single nucleotide variant.
Coding change: c.4362A>T on transcript NM_001165963.4 (MANE Select); coding-DNA position 4362, A replaced by T.
Protein change: p.Glu1454Asp; replaces glutamic acid 1454 with aspartic acid.
Molecular consequence: missense variant. On other transcripts: non-coding transcript variant (1).
Genome position (GRCh38, 1-based): chr2:165,998,152, T>A on the plus strand (A>T on the coding strand, the complement: SCN1A is on the minus strand). VCF-style: chr2-165998152-T-A. GRCh37 (hg19) VCF-style: chr2-166854662-T-A.
Other names: c.4326A>T, p.Glu1442Asp (NM_001353955.2, NM_001353954.2); c.4278A>T, p.Glu1426Asp (NM_001353957.2, NM_001353958.2, NM_001165964.3); c.4275A>T, p.Glu1425Asp (NM_001353960.2); c.1920A>T, p.Glu640Asp (NM_001353961.2); c.4329A>T, p.Glu1443Asp (NM_006920.6, NM_001353949.2, NM_001353950.2 and 2 more transcripts); c.4362A>T, p.Glu1454Asp (NM_001202435.3, NM_001353948.2); short protein forms E1454D, E1442D, E640D, E1443D, E1425D, E1426D.
Identifiers: ClinVar variation 2036826 (VCV002036826.4), dbSNP rs2468395195, ClinGen allele CA349049463.

ClinVar aggregate classification (germline): Uncertain significance (1 of 4 stars; one submission).

Conditions:
Early-infantile DEE. Also called: Ohtahara syndrome; Early infantile epileptic encephalopathy with suppression bursts; Early infantile epileptic encephalopathy. Identifiers: Orphanet 1934, MedGen C0393706, MONDO:0800491.

Submission:

Labcorp Genetics (formerly Invitae), Labcorp
Classification: Uncertain significance for Early-infantile DEE. Last evaluated: 2023-12-09. Review status: criteria provided, single submitter. Criteria: Invitae Variant Classification Sherloc (09022015). Collection method: clinical testing. Allele origin: germline.
Comment: This sequence change replaces glutamic acid, which is acidic and polar, with aspartic acid, which is acidic and polar, at codon 1454 of the SCN1A protein (p.Glu1454Asp). This variant is not present in population databases (gnomAD no frequency). This variant has not been reported in the literature in individuals affected with SCN1A-related conditions. ClinVar contains an entry for this variant (Variation ID: 2036826). Advanced modeling of protein sequence and biophysical properties (such as structural, functional, and spatial information, amino acid conservation, physicochemical variation, residue mobility, and thermodynamic stability) has been performed at Invitae for this missense variant, however the output from this modeling did not meet the statistical confidence thresholds required to predict the impact of this variant on SCN1A protein function. This variant disrupts the p.Glu1454 amino acid residue in SCN1A. Other variant(s) that disrupt this residue have been determined to be pathogenic (PMID: 21248271). This suggests that this residue is clinically significant, and that variants that disrupt this residue are likely to be disease-causing. In summary, the available evidence is currently insufficient to determine the role of this variant in disease. Therefore, it has been classified as a Variant of Uncertain Significance.

Literature cited by the submitters: PubMed 21248271.